The following is an entry in ClinVar:

NM_014249.4(NR2E3):c.119-20CCCTGCC[3]

Gene: NR2E3 (nuclear receptor subfamily 2 group E member 3; plus strand). Cytogenetic location: 15q23.
Variant type: Microsatellite.
Coding change: c.119-20CCCTGCC[3] on transcript NM_014249.4 (MANE Select); three copies in a row of the 7-base unit CCCTGCC starting at c.119-20.
Molecular consequence: intron variant.
Genome position: GRCh38 VCF-style: chr15-71811462-G-GCCCTGCC. GRCh37 (hg19) VCF-style: chr15-72103802-G-GCCCTGCC.
Other names: c.119-20CCCTGCC[3] (NM_016346.4).
Identifiers: ClinVar variation 4999954 (VCV004999954.1).
Genomic context (GRCh38, chr15:71,811,462, plus strand): 5'-GGACCCGAGGGAAGGAGGGGAGCGTGCAGCCCTGCCCCGGCCCAGCCCTGCCCTGGCCCA[G>GCCCTGCC]CCCTGCCCCCTGCCCCTCAGGCGTGAGCCCCTCGCTCCAGTGCCGCGTGTGCGGAGACAG-3'

ClinVar aggregate classification (germline): Likely benign (1 of 4 stars; one submission).

Conditions:
NR2E3-related disorder. Also called: NR2E3-related condition; NR2E3-related disorders. Identifiers: MedGen CN239387.

Submission:

PreventionGenetics, part of Exact Sciences
Classification: Likely benign for NR2E3-related condition. Last evaluated: 2025-06-25. Review status: criteria provided, single submitter. Criteria: ACMG Guidelines, 2015. Collection method: clinical testing. Allele origin: germline.
Comment: This variant is classified as likely benign based on ACMG/AMP sequence variant interpretation guidelines (Richards et al. 2015 PMID: 25741868, with internal and published modifications).